The following is an entry in ClinVar:

NM_006015.6(ARID1A):c.4129T>C (p.Tyr1377His)

Gene: ARID1A (AT-rich interaction domain 1A; plus strand). Cytogenetic location: 1p36.11.
Variant type: single nucleotide variant.
Coding change: c.4129T>C on transcript NM_006015.6 (MANE Select); coding-DNA position 4129, T replaced by C.
Protein change: p.Tyr1377His; replaces tyrosine 1377 with histidine.
Molecular consequence: missense variant. On other transcripts: intron variant (1).
Genome position (GRCh38, 1-based): chr1:26,774,356, T>C. VCF-style: chr1-26774356-T-C. GRCh37 (hg19) VCF-style: chr1-27100847-T-C.
Other names: c.4101+458T>C (NM_139135.4); short protein forms Y1377H.
Identifiers: ClinVar variation 2756140 (VCV002756140.3), dbSNP rs2124117116, ClinGen allele CA339172801.

ClinVar aggregate classification (germline): Uncertain significance (1 of 4 stars; one submission).

Submission:

Labcorp Genetics (formerly Invitae), Labcorp
Classification: Uncertain significance. Last evaluated: 2023-08-28. Review status: criteria provided, single submitter. Criteria: Invitae Variant Classification Sherloc (09022015). Collection method: clinical testing. Allele origin: germline.
Comment: This variant has not been reported in the literature in individuals affected with ARID1A-related conditions. This sequence change replaces tyrosine, which is neutral and polar, with histidine, which is basic and polar, at codon 1377 of the ARID1A protein (p.Tyr1377His). This variant is not present in population databases (gnomAD no frequency). Advanced modeling of protein sequence and biophysical properties (such as structural, functional, and spatial information, amino acid conservation, physicochemical variation, residue mobility, and thermodynamic stability) performed at Invitae indicates that this missense variant is expected to disrupt ARID1A protein function. In summary, the available evidence is currently insufficient to determine the role of this variant in disease. Therefore, it has been classified as a Variant of Uncertain Significance.